The following is an entry in ClinVar:

ClinVar aggregate classification (germline): Conflicting classifications of pathogenicity. Review status: criteria provided, conflicting classifications (1 of 4 stars). 3 submissions from 3 submitters: Uncertain significance (1); Likely benign (2). Last evaluated 2024-02-21.

Allele frequency attached by ClinVar (database versions not stated): TOPMed 0.00003; ESP Exome Variant Server 0.00008; gnomAD 0.00025; 1000 Genomes Project 30x 0.00031; 1000 Genomes Project 0.00040.
gnomAD v4.1: 301 of 1,611,554 alleles (0.019%); highest among the groups gnomAD compares: Middle Eastern, 0.13%; 1 homozygote.

Submissions (3):

Blueprint Genetics
Classification: Uncertain significance. Last evaluated: 2024-02-21. Review status: criteria provided, single submitter. Criteria: ACMG Guidelines, 2015. Collection method: clinical testing. Allele origin: germline.

Labcorp Genetics (formerly Invitae), Labcorp
Classification: Likely benign. Last evaluated: 2023-03-08. Review status: criteria provided, single submitter. Criteria: Invitae Variant Classification Sherloc (09022015). Collection method: clinical testing. Allele origin: germline.

Laboratory for Molecular Medicine, Mass General Brigham Personalized Medicine
Classification: Likely benign. Last evaluated: 2017-04-03. Review status: criteria provided, single submitter. Criteria: LMM Criteria. Collection method: clinical testing. Allele origin: germline. Observed: 1 variant allele.
Comment: p.Thr544Met in exon 14 of GPSM2: This variant is not expected to have clinical s ignificance 0.3% (19/6614) of Finnish chromosomes by the Exome Aggregation Conso rtium (ExAC; dbSNP rs191870755).

NM_013296.5(GPSM2):c.1631C>T (p.Thr544Met)

Gene: GPSM2 (G protein signaling modulator 2; plus strand). Cytogenetic location: 1p13.3.
Variant type: single nucleotide variant.
Coding change: c.1631C>T on transcript NM_013296.5 (MANE Select); coding-DNA position 1631, C replaced by T.
Protein change: p.Thr544Met; replaces threonine 544 with methionine.
Molecular consequence: missense variant.
Genome position (GRCh38, 1-based): chr1:108,924,030, C>T. VCF-style: chr1-108924030-C-T. GRCh37 (hg19) VCF-style: chr1-109466652-C-T.
Other names: c.1631C>T, p.Thr544Met (NM_001321038.2, NM_001321039.3); short protein forms T544M.
Identifiers: ClinVar variation 517339 (VCV000517339.8), dbSNP rs191870755, ClinGen allele CA983140.